The following is an entry in ClinVar:

NM_004260.4(RECQL4):c.865G>A (p.Ala289Thr)

Gene: RECQL4 (RecQ like helicase 4; minus strand). Cytogenetic location: 8q24.3.
Variant type: single nucleotide variant.
Coding change: c.865G>A on transcript NM_004260.4 (MANE Select); coding-DNA position 865, G replaced by A.
Protein change: p.Ala289Thr; replaces alanine 289 with threonine.
Molecular consequence: missense variant.
Genome position (GRCh38, 1-based): chr8:144,516,254, C>T on the plus strand (G>A on the coding strand, the complement: RECQL4 is on the minus strand). VCF-style: chr8-144516254-C-T. GRCh37 (hg19) VCF-style: chr8-145741638-C-T.
Other names: short protein forms A289T.
Identifiers: ClinVar variation 641612 (VCV000641612.11), dbSNP rs200382712, ClinGen allele CA4949160.

ClinVar aggregate classification (germline): Conflicting classifications of pathogenicity. Review status: criteria provided, conflicting classifications (1 of 4 stars). 3 submissions from 3 submitters: Uncertain significance (2); Likely benign (1). Last evaluated 2025-07-31.

Conditions:
Baller-Gerold syndrome (BGS). Also called: CRANIOSYNOSTOSIS WITH RADIAL DEFECTS. Identifiers: Orphanet 1225, MedGen C0265308, MONDO:0009039, OMIM 218600.
Inborn genetic diseases. Identifiers: MedGen C0950123, MeSH D030342.
Rothmund-Thomson syndrome type 2 (RTS2). Identifiers: Orphanet 221016, MedGen C5203410, MONDO:0016369, OMIM 268400.

Allele frequency attached by ClinVar (database versions not stated): TOPMed 0.00012; 1000 Genomes Project 30x 0.00016; 1000 Genomes Project 0.00020; ESP Exome Variant Server 0.00033; ExAC 0.00003; gnomAD 0.00008 and 0.00009; gnomAD exomes 0.00001 and 0.00002.

Submissions (3):

Labcorp Genetics (formerly Invitae), Labcorp
Classification: Likely benign for Baller-Gerold syndrome. Last evaluated: 2025-07-31. Review status: criteria provided, single submitter. Criteria: Invitae Variant Classification Sherloc (09022015). Collection method: clinical testing. Allele origin: germline.

Ambry Genetics
Classification: Uncertain significance for Inborn genetic diseases. Last evaluated: 2024-07-09. Review status: criteria provided, single submitter. Criteria: Ambry Variant Classification Scheme 2023. Collection method: clinical testing. Allele origin: germline.

Baylor Genetics
Classification: Uncertain significance for Rothmund-Thomson syndrome type 2. Last evaluated: 2020-02-23. Review status: criteria provided, single submitter. Criteria: ACMG Guidelines, 2015. Collection method: clinical testing. Allele origin: unknown. Affected: yes. Study: CSER-TexasKidsCanSeq.
Comment: This variant was determined to be of uncertain significance according to ACMG Guidelines, 2015 [PMID:25741868].